The following is an entry in ClinVar:

NM_004260.4(RECQL4):c.2573C>T (p.Thr858Ile)

Gene: RECQL4 (RecQ like helicase 4; minus strand). Cytogenetic location: 8q24.3.
Variant type: single nucleotide variant.
Coding change: c.2573C>T on transcript NM_004260.4 (MANE Select); coding-DNA position 2573, C replaced by T.
Protein change: p.Thr858Ile; replaces threonine 858 with isoleucine.
Molecular consequence: missense variant.
Genome position (GRCh38, 1-based): chr8:144,513,029, G>A on the plus strand (C>T on the coding strand, the complement: RECQL4 is on the minus strand). VCF-style: chr8-144513029-G-A. GRCh37 (hg19) VCF-style: chr8-145738412-G-A.
Other names: c.2279C>T, p.Thr760Ile (NM_001413017.1); c.2375C>T, p.Thr792Ile (NM_001413018.1); c.2573C>T, p.Thr858Ile (NM_001413019.1, NM_001413036.1); c.2477C>T, p.Thr826Ile (NM_001413020.1); c.1502C>T, p.Thr501Ile (NM_001413021.1, NM_001413022.1, NM_001413023.1 and 5 more transcripts); c.2444C>T, p.Thr815Ile (NM_001413025.1); c.1436C>T, p.Thr479Ile (NM_001413027.1, NM_001413030.1, NM_001413032.1 and 1 more transcripts); c.2222C>T, p.Thr741Ile (NM_001413029.1); and 6 more; short protein forms T457I, T479I, T815I, T848I, T369I, T491I, T760I, T792I.
Identifiers: ClinVar variation 2098850 (VCV002098850.6), dbSNP rs965539808, ClinGen allele CA372677014.

ClinVar aggregate classification (germline): Uncertain significance. Review status: criteria provided, multiple submitters, no conflicts (2 of 4 stars). 2 submissions from 2 submitters: Uncertain significance (2). Last evaluated 2022-02-18.

Conditions:
Baller-Gerold syndrome (BGS). Also called: CRANIOSYNOSTOSIS WITH RADIAL DEFECTS. Identifiers: Orphanet 1225, MedGen C0265308, MONDO:0009039, OMIM 218600.
Rapadilino syndrome. Identifiers: Orphanet 3021, MedGen C1849453, MONDO:0009955, OMIM 266280.
Rothmund-Thomson syndrome type 2 (RTS2). Identifiers: Orphanet 221016, MedGen C5203410, MONDO:0016369, OMIM 268400.

Submissions (2):

Labcorp Genetics (formerly Invitae), Labcorp
Classification: Uncertain significance for Baller-Gerold syndrome. Last evaluated: 2022-02-18. Review status: criteria provided, single submitter. Criteria: Invitae Variant Classification Sherloc (09022015). Collection method: clinical testing. Allele origin: germline.
Comment: In summary, the available evidence is currently insufficient to determine the role of this variant in disease. Therefore, it has been classified as a Variant of Uncertain Significance. Experimental studies and prediction algorithms are not available or were not evaluated, and the functional significance of this variant is currently unknown. This variant has not been reported in the literature in individuals affected with RECQL4-related conditions. This variant is not present in population databases (gnomAD no frequency). This sequence change replaces threonine, which is neutral and polar, with isoleucine, which is neutral and non-polar, at codon 858 of the RECQL4 protein (p.Thr858Ile).

Center for Genomics, Ann and Robert H. Lurie Children's Hospital of Chicago
Classification: Uncertain significance for Baller-Gerold syndrome; Rothmund-Thomson syndrome type 2; Rapadilino syndrome. Review status: criteria provided, single submitter. Criteria: ACMG Guidelines, 2015. Collection method: clinical testing. Allele origin: germline.
Comment: This variant has not been reported in the literature and is not present in large control databases. Evolutionary conservation and computational predictive tools for this variant are limited or unavailable. In summary, data on this variant is insufficient for disease classification. Therefore, the clinical significance of this variant is uncertain.